The following is an entry in ClinVar:

NM_001079.4(ZAP70):c.1290-89C>T

Gene: ZAP70 (zeta chain of T cell receptor associated protein kinase 70; plus strand). Cytogenetic location: 2q11.2.
Variant type: single nucleotide variant.
Coding change: c.1290-89C>T on transcript NM_001079.4 (MANE Select); 89 bases into the intron before coding-DNA position 1290, C replaced by T.
Molecular consequence: intron variant.
Genome position (GRCh38, 1-based): chr2:97,737,384, C>T. VCF-style: chr2-97737384-C-T. GRCh37 (hg19) VCF-style: chr2-98353847-C-T.
Other names: c.1290-89C>T (NM_001378594.1); c.369-89C>T (NM_207519.2).
Identifiers: ClinVar variation 1232396 (VCV001232396.6), dbSNP rs11686881, ClinGen allele CA11192207.

ClinVar aggregate classification (germline): Benign. Review status: criteria provided, multiple submitters, no conflicts (2 of 4 stars). 3 submissions from 3 submitters: Benign (3). Last evaluated 2023-11-12.

Allele frequency attached by ClinVar (database versions not stated): gnomAD 0.28125 and 0.28783; 1000 Genomes Project 0.18271; 1000 Genomes Project 30x 0.18504; TOPMed 0.26378.
gnomAD v4.1: 465,413 of 1,419,926 alleles (33%); highest among the groups gnomAD compares: Admixed American, 36%; 83,439 homozygotes.

Submissions (3):

Unidad de Genómica Garrahan, Hospital de Pediatría Garrahan
Classification: Benign. Last evaluated: 2023-11-12. Review status: criteria provided, single submitter. Criteria: ACMG Guidelines, 2015. Collection method: clinical testing. Allele origin: germline. Affected: no. Observed: 52 variant alleles.
Comment: This variant is classified as Benign based on local population frequency. This variant was detected in 54% of patients studied by a panel of primary immunodeficiencies. Number of patients: 52. Only high quality variants are reported.

GeneDx
Classification: Benign. Last evaluated: 2018-07-07. Review status: criteria provided, single submitter. Criteria: GeneDx Variant Classification Process June 2021. Collection method: clinical testing. Allele origin: germline. Affected: yes.

Breakthrough Genomics
Classification: Benign. Review status: criteria provided, single submitter. Criteria: ACMG Guidelines, 2015. Collection method: not provided. Allele origin: germline. Inheritance: Autosomal recessive inheritance. Affected: yes.